The following is an entry in ClinVar:

NM_031889.3(ENAM):c.3006del (p.Phe1002fs)

Gene: ENAM (enamelin; plus strand). Cytogenetic location: 4q13.3.
Variant type: Deletion.
Coding change: c.3006del on transcript NM_031889.3 (MANE Select); coding-DNA position 3006, one base deleted (T; older notation c.3006delT).
Protein change: p.Phe1002fs; shifts the reading frame from phenylalanine 1002.
Molecular consequence: frameshift variant.
Genome position (GRCh38, 1-based): chr4:70,644,432, T deleted; the last of 5 consecutive T bases (chr4:70,644,428-70,644,432); deleting any one gives the same sequence. VCF-style (leftmost placement, unchanged base first): chr4-70644427-GT-G. GRCh37 (hg19) VCF-style: chr4-71510144-GT-G.
Other names: c.2352del, p.Phe784fs (NM_001368133.1); short protein forms F1002fs, F784fs.
Identifiers: ClinVar variation 3731021 (VCV003731021.1).

ClinVar aggregate classification (germline): Uncertain significance (1 of 4 stars; one submission).

Submission:

GeneDx
Classification: Uncertain significance. Last evaluated: 2024-08-12. Review status: criteria provided, single submitter. Criteria: GeneDx Variant Classification Process June 2021. Collection method: clinical testing. Allele origin: germline. Affected: yes.
Comment: Not observed at significant frequency in large population cohorts (gnomAD); Frameshift variant predicted to result in abnormal protein length as the last 141 amino acids are replaced with 60 different amino acids; Has not been previously published as pathogenic or benign to our knowledge